The following is an entry in ClinVar:

NM_002691.4(POLD1):c.2722A>G (p.Arg908Gly)

Gene: POLD1 (DNA polymerase delta 1, catalytic subunit; plus strand). Cytogenetic location: 19q13.33.
Variant type: single nucleotide variant.
Coding change: c.2722A>G on transcript NM_002691.4 (MANE Select); coding-DNA position 2722, A replaced by G.
Protein change: p.Arg908Gly; replaces arginine 908 with glycine.
Molecular consequence: missense variant.
Genome position (GRCh38, 1-based): chr19:50,415,728, A>G. VCF-style: chr19-50415728-A-G. GRCh37 (hg19) VCF-style: chr19-50918985-A-G.
Other names: c.2722A>G, p.Arg908Gly (LRG_785t1, NM_001256849.1); c.2800A>G, p.Arg934Gly (LRG_785t2, NM_001308632.1); short protein forms R908G, R934G.
Identifiers: ClinVar variation 469291 (VCV000469291.10), dbSNP rs1555793137, ClinGen allele CA406985808.

ClinVar aggregate classification (germline): Uncertain significance (1 of 4 stars; one submission).

Conditions:
POLD1-related polyposis and colorectal cancer syndrome (CRCS10). Also called: Colorectal cancer 10; COLORECTAL CANCER, SUSCEPTIBILITY TO, ON CHROMOSOME 19q; Colorectal cancer, susceptibility to, 10. Identifiers: Orphanet 220460, MedGen C2675481, MONDO:0012953, OMIM 612591.

Submission:

Labcorp Genetics (formerly Invitae), Labcorp
Classification: Uncertain significance for POLD1-related polyposis and colorectal cancer syndrome. Last evaluated: 2020-09-17. Review status: criteria provided, single submitter. Criteria: Invitae Variant Classification Sherloc (09022015). Collection method: clinical testing. Allele origin: germline.
Comment: In summary, this variant is a novel missense change with uncertain impact on protein function. It has been classified as a Variant of Uncertain Significance. Algorithms developed to predict the effect of missense changes on protein structure and function do not agree on the potential impact of this missense change (SIFT: "Deleterious"; PolyPhen-2: "Possibly Damaging"; Align-GVGD: "Class C0"). While this variant is not present in population databases (ExAC no frequency), the frequency information is unreliable, as metrics indicate poor data quality at this position in the ExAC database. This variant has not been reported in the literature in individuals with a POLD1-related disease. This sequence change replaces arginine with glycine at codon 908 of the POLD1 protein (p.Arg908Gly). The arginine residue is moderately conserved and there is a moderate physicochemical difference between arginine and glycine.